The following is an entry in ClinVar:

NM_152594.3(SPRED1):c.610A>G (p.Ile204Val)

Gene: SPRED1 (sprouty related EVH1 domain containing 1; plus strand). Cytogenetic location: 15q14.
Variant type: single nucleotide variant.
Coding change: c.610A>G on transcript NM_152594.3 (MANE Select); coding-DNA position 610, A replaced by G.
Protein change: p.Ile204Val; replaces isoleucine 204 with valine.
Molecular consequence: missense variant.
Genome position (GRCh38, 1-based): chr15:38,349,449, A>G. VCF-style: chr15-38349449-A-G. GRCh37 (hg19) VCF-style: chr15-38641650-A-G.
Other names: c.610A>G (NM_152594.2); short protein forms I204V.
Identifiers: ClinVar variation 1360733 (VCV001360733.9), dbSNP rs758087535, ClinGen allele CA7470137.
Genomic context (GRCh38, chr15:38,349,449, plus strand): 5'-GTGTCATTTAAGTAGAAATTGTTTGTATTTTAGATAACATTTGGTCAGCCAGGCTTGGAC[A>G]TTCAGAGCAGAAGTATGGAATACGTACAGCGGCAAATATCCAAGGAATGTGGAAGCCTAA-3'
Protein context (NP_689807.1, residues 194-214): QITFGQPGLD[Ile204Val]QSRSMEYVQR

ClinVar aggregate classification (germline): Conflicting classifications of pathogenicity. Review status: criteria provided, conflicting classifications (1 of 4 stars). 2 submissions from 2 submitters: Uncertain significance (1); Likely benign (1). Last evaluated 2025-08-14.

Conditions:
Legius syndrome. Identifiers: Orphanet 137605, MedGen C1969623, MONDO:0012669, OMIM 611431. Disease mechanism: loss of function.
Cardiovascular phenotype. Identifiers: MedGen CN230736.

Allele frequency attached by ClinVar (database versions not stated): ExAC 0.00001; gnomAD exomes 0.00002.
gnomAD v4.1: 8 of 1,612,808 alleles (0.0005%); highest among the groups gnomAD compares: Admixed American, 0.005%; no homozygotes.

Submissions (2):

Labcorp Genetics (formerly Invitae), Labcorp
Classification: Uncertain significance for Legius syndrome. Last evaluated: 2025-08-14. Review status: criteria provided, single submitter. Criteria: Invitae Variant Classification Sherloc (09022015). Collection method: clinical testing. Allele origin: germline.
Comment: This sequence change replaces isoleucine, which is neutral and non-polar, with valine, which is neutral and non-polar, at codon 204 of the SPRED1 protein (p.Ile204Val). This variant is present in population databases (rs758087535, gnomAD 0.007%). This variant has not been reported in the literature in individuals affected with SPRED1-related conditions. ClinVar contains an entry for this variant (Variation ID: 1360733). Invitae Evidence Modeling of protein sequence and biophysical properties (such as structural, functional, and spatial information, amino acid conservation, physicochemical variation, residue mobility, and thermodynamic stability) indicates that this missense variant is not expected to disrupt SPRED1 protein function with a negative predictive value of 80%. In summary, the available evidence is currently insufficient to determine the role of this variant in disease. Therefore, it has been classified as a Variant of Uncertain Significance.

Ambry Genetics
Classification: Likely benign for Cardiovascular phenotype. Last evaluated: 2025-06-12. Review status: criteria provided, single submitter. Criteria: Ambry Variant Classification Scheme 2023. Collection method: clinical testing. Allele origin: germline.